The following is an entry in ClinVar:

NM_001283009.2(RTEL1):c.2903G>C (p.Cys968Ser)

Genes: RTEL1 (regulator of telomere elongation helicase 1; plus strand), RTEL1-TNFRSF6B (RTEL1-TNFRSF6B readthrough (NMD candidate); plus strand). Cytogenetic location: 20q13.33.
Variant type: single nucleotide variant.
Coding change: c.2903G>C on transcript NM_001283009.2 (MANE Select); coding-DNA position 2903, G replaced by C.
Protein change: p.Cys968Ser; replaces cysteine 968 with serine.
Molecular consequence: missense variant. On other transcripts: non-coding transcript variant (1).
Genome position (GRCh38, 1-based): chr20:63,693,194, G>C. VCF-style: chr20-63693194-G-C. GRCh37 (hg19) VCF-style: chr20-62324547-G-C.
Other names: c.2234G>C, p.Cys745Ser (NM_001283010.1); c.2903G>C, p.Cys968Ser (NM_016434.4); c.2975G>C, p.Cys992Ser (NM_032957.5); short protein forms C992S, C968S, C745S.
Identifiers: ClinVar variation 967384 (VCV000967384.10), dbSNP rs375503989, ClinGen allele CA9965650.
Genomic context (GRCh38, chr20:63,693,194, plus strand): 5'-CCTCTACAGGCTTCTACCAGTTTGTGCGGCCCCACCATAAGCAGCAGTTTGAGGAGGTCT[G>C]TATCCAGCTGACAGGACGAGGCTGTGGCTATCGGCCTGAGCACAGCATTCCCCGAAGGCA-3'
Protein context (NP_001269938.1, residues 958-978): PHHKQQFEEV[Cys968Ser]IQLTGRGCGY

ClinVar aggregate classification (germline): Uncertain significance. Review status: criteria provided, multiple submitters, no conflicts (2 of 4 stars). 4 submissions from 4 submitters: Uncertain significance (3). 1 of the submissions does not count toward it. Last evaluated 2025-06-15.

Conditions:
Dyskeratosis congenita. Identifiers: Orphanet 1775, MedGen C0265965, MONDO:0015780.
Pulmonary fibrosis and/or bone marrow failure, Telomere-related, 3. Also called: PULMONARY FIBROSIS AND/OR BONE MARROW FAILURE SYNDROME, TELOMERE-RELATED, 3. Identifiers: Orphanet 2032, MedGen C4225346, MONDO:0014613, OMIM 616373.
Dyskeratosis congenita, autosomal recessive 5 (DKCB5). Identifiers: MedGen C3554656, MONDO:0014076, OMIM 615190.

Allele frequency attached by ClinVar (database versions not stated): gnomAD 0.00001; TOPMed 0.00002; gnomAD exomes 0.00006; ESP Exome Variant Server 0.00008; ExAC 0.00011; 1000 Genomes Project 30x 0.00016; 1000 Genomes Project 0.00020.
gnomAD v4.1: 49 of 1,612,174 alleles (0.003%); highest among the groups gnomAD compares: South Asian, 0.026%; no homozygotes.

Submissions (4):

Labcorp Genetics (formerly Invitae), Labcorp
Classification: Uncertain significance for Dyskeratosis congenita, autosomal recessive 5; Pulmonary fibrosis and/or bone marrow failure, Telomere-related, 3. Last evaluated: 2025-06-15. Review status: criteria provided, single submitter. Criteria: Invitae Variant Classification Sherloc (09022015). Collection method: clinical testing. Allele origin: germline.
Comment: This sequence change replaces cysteine, which is neutral and slightly polar, with serine, which is neutral and polar, at codon 968 of the RTEL1 protein (p.Cys968Ser). This variant is present in population databases (rs375503989, gnomAD 0.03%). This variant has not been reported in the literature in individuals affected with RTEL1-related conditions. ClinVar contains an entry for this variant (Variation ID: 967384). An algorithm developed to predict the effect of missense changes on protein structure and function (PolyPhen-2) suggests that this variant is likely to be disruptive. In summary, the available evidence is currently insufficient to determine the role of this variant in disease. Therefore, it has been classified as a Variant of Uncertain Significance.

Fulgent Genetics
Classification: Uncertain significance for Dyskeratosis congenita, autosomal recessive 5; Pulmonary fibrosis and/or bone marrow failure, Telomere-related, 3. Last evaluated: 2021-08-26. Review status: criteria provided, single submitter. Criteria: ACMG Guidelines, 2015. Collection method: clinical testing. Allele origin: unknown.

Blueprint Genetics
Classification: Uncertain significance. Last evaluated: 2020-07-16. Review status: criteria provided, single submitter. Criteria: ACMG Guidelines, 2015. Collection method: clinical testing. Allele origin: germline.

Natera, Inc.
Classification: Uncertain significance for Dyskeratosis congenita. Last evaluated: 2020-03-03. Review status: no assertion criteria provided. Collection method: clinical testing. Allele origin: germline. Not counted in ClinVar's aggregate classification.